The following is an entry in ClinVar:

ClinVar aggregate classification (germline): Uncertain significance. Review status: criteria provided, multiple submitters, no conflicts (2 of 4 stars). 2 submissions from 2 submitters: Uncertain significance (2). Last evaluated 2024-05-29.

Conditions:
Hereditary cancer-predisposing syndrome. Also called: Neoplastic Syndromes, Hereditary; Hereditary Cancer Syndrome; Tumor predisposition; Hereditary neoplastic syndrome. Identifiers: Orphanet 140162, MedGen C0027672, MeSH D009386, MONDO:0015356.
DICER1-related tumor predisposition. Also called: DICER1 syndrome; DICER1-related pleuropulmonary blastoma cancer predisposition syndrome. Identifiers: Orphanet 284343, MedGen C3839822, MONDO:0100216.

Allele frequency attached by ClinVar (database versions not stated): TOPMed below 0.00001; gnomAD 0.00001.
gnomAD v4.1: 1 of 1,613,820 alleles (0.000062%); highest among the groups gnomAD compares: Non-Finnish European, 0.000085%; no homozygotes.

Submissions (2):

Labcorp Genetics (formerly Invitae), Labcorp
Classification: Uncertain significance for DICER1-related tumor predisposition. Last evaluated: 2024-05-29. Review status: criteria provided, single submitter. Criteria: Invitae Variant Classification Sherloc (09022015). Collection method: clinical testing. Allele origin: germline.
Comment: This sequence change replaces lysine, which is basic and polar, with glutamine, which is neutral and polar, at codon 923 of the DICER1 protein (p.Lys923Gln). This variant is not present in population databases (gnomAD no frequency). This variant has not been reported in the literature in individuals affected with DICER1-related conditions. ClinVar contains an entry for this variant (Variation ID: 2566223). Advanced modeling of protein sequence and biophysical properties (such as structural, functional, and spatial information, amino acid conservation, physicochemical variation, residue mobility, and thermodynamic stability) performed at Invitae indicates that this missense variant is not expected to disrupt DICER1 protein function with a negative predictive value of 80%. In summary, the available evidence is currently insufficient to determine the role of this variant in disease. Therefore, it has been classified as a Variant of Uncertain Significance.

Ambry Genetics
Classification: Uncertain significance for Hereditary cancer-predisposing syndrome. Last evaluated: 2023-06-01. Review status: criteria provided, single submitter. Criteria: Ambry Variant Classification Scheme 2023. Collection method: clinical testing. Allele origin: germline.
Comment: The p.K923Q variant (also known as c.2767A>C), located in coding exon 16 of the DICER1 gene, results from an A to C substitution at nucleotide position 2767. The lysine at codon 923 is replaced by glutamine, an amino acid with similar properties. This amino acid position is conserved. In addition, this alteration is predicted to be tolerated by in silico analysis. Since supporting evidence is limited at this time, the clinical significance of this alteration remains unclear.

NM_177438.3(DICER1):c.2767A>C (p.Lys923Gln)

Gene: DICER1 (dicer 1, ribonuclease III; minus strand). Cytogenetic location: 14q32.13.
Variant type: single nucleotide variant.
Coding change: c.2767A>C on transcript NM_177438.3 (MANE Select); coding-DNA position 2767, A replaced by C.
Protein change: p.Lys923Gln; replaces lysine 923 with glutamine.
Molecular consequence: missense variant. On other transcripts: non-coding transcript variant (6).
Genome position (GRCh38, 1-based): chr14:95,107,645, T>G on the plus strand (A>C on the coding strand, the complement: DICER1 is on the minus strand). VCF-style: chr14-95107645-T-G. GRCh37 (hg19) VCF-style: chr14-95573982-T-G.
Other names: c.2767A>C, p.Lys923Gln (NM_001195573.1, NM_001271282.3, NM_001291628.2 and 13 more transcripts); c.2485A>C, p.Lys829Gln (NM_001395686.1); c.2362A>C, p.Lys788Gln (NM_001395687.1, NM_001395688.1, NM_001395689.1 and 2 more transcripts); c.2200A>C, p.Lys734Gln (NM_001395691.1); c.1084A>C, p.Lys362Gln (NM_001395697.1); short protein forms K734Q, K923Q, K362Q, K788Q, K829Q.
Identifiers: ClinVar variation 2566223 (VCV002566223.4), dbSNP rs1357513890, ClinGen allele CA390879485.